The following is an entry in ClinVar:

ClinVar aggregate classification (germline): Likely benign. Review status: criteria provided, multiple submitters, no conflicts (2 of 4 stars). 3 submissions from 3 submitters: Likely benign (3). Last evaluated 2025-10-27.

Conditions:
CNGA1-related disorder. Also called: CNGA1-related condition.

Allele frequency attached by ClinVar (database versions not stated): ExAC 0.00002; gnomAD 0.00004; TOPMed 0.00004; ESP Exome Variant Server 0.00008.
gnomAD v4.1: 115 of 1,613,496 alleles (0.0071%); highest among the groups gnomAD compares: Non-Finnish European, 0.0091%; no homozygotes.

Submissions (3):

PreventionGenetics, part of Exact Sciences
Classification: Likely benign for CNGA1-related condition. Last evaluated: 2025-10-27. Review status: criteria provided, single submitter. Criteria: ACMG Guidelines, 2015. Collection method: clinical testing. Allele origin: germline.
Comment: This variant is classified as likely benign based on ACMG/AMP sequence variant interpretation guidelines (Richards et al. 2015 PMID: 25741868, with internal and published modifications).

Labcorp Genetics (formerly Invitae), Labcorp
Classification: Likely benign. Last evaluated: 2025-10-13. Review status: criteria provided, single submitter. Criteria: Invitae Variant Classification Sherloc (09022015). Collection method: clinical testing. Allele origin: germline.

Blueprint Genetics
Classification: Likely benign. Last evaluated: 2024-10-10. Review status: criteria provided, single submitter. Criteria: ACMG Guidelines, 2015. Collection method: clinical testing. Allele origin: germline.

NM_001379270.1(CNGA1):c.471G>A (p.Ser157=)

Genes: CNGA1 (cyclic nucleotide gated channel subunit alpha 1; minus strand), LOC101927157 (uncharacterized LOC101927157; plus strand). Cytogenetic location: 4p12.
Variant type: single nucleotide variant.
Coding change: c.471G>A on transcript NM_001379270.1 (MANE Select); coding-DNA position 471, G replaced by A.
Protein change: p.Ser157=; no amino-acid change (serine 157 retained).
Molecular consequence: synonymous variant.
Genome position (GRCh38, 1-based): chr4:47,942,115, C>T on the plus strand (G>A on the coding strand, the complement: CNGA1 is on the minus strand). VCF-style: chr4-47942115-C-T. GRCh37 (hg19) VCF-style: chr4-47944132-C-T.
Other names: c.471G>A, p.Ser157= (NM_000087.5, NM_001142564.2); c.483G>A, p.Ser161= (NM_001375386.1); c.483G>A (NM_000087.3).
Identifiers: ClinVar variation 2066154 (VCV002066154.6), dbSNP rs369054249, ClinGen allele CA2911271.
Genomic context (GRCh38, chr4:47,942,115, plus strand): 5'-TGTCCAGTTGTACATAACAGGTAATGTGATGCAAAACAGCCAGTTGTAATATGTGTTTCC[C>T]GAGGGATCAATAACCACAACTTCTTTCTTCTCCCTAGCGGCAATTAGAAATAAAGGGGAT-3'
Protein context (NP_001366199.1, residues 147-167): EKKEVVVIDP[Ser157=]GNTYYNWLFC